The following is an entry in ClinVar:

ClinVar aggregate classification (germline): Uncertain significance (1 of 4 stars; one submission).

Conditions:
Catecholaminergic polymorphic ventricular tachycardia (CVPT). Also called: Catecholamine-induced polymorphic ventricular tachycardia. Identifiers: Orphanet 3286, MedGen C5574922, MONDO:0017990.

Submission:

All of Us Research Program, National Institutes of Health
Classification: Uncertain significance for Catecholaminergic polymorphic ventricular tachycardia. Last evaluated: 2023-06-08. Review status: criteria provided, single submitter. Criteria: ACMG Guidelines, 2015. Collection method: clinical testing. Allele origin: germline. Inheritance: Autosomal dominant inheritance. Observed: 1 variant allele, 1 heterozygote.
Comment: This missense variant replaces alanine with valine at codon 994 of the RYR2 protein. Computational prediction suggests that this variant may not impact protein structure and function (internally defined REVEL score threshold <= 0.5, PMID: 27666373). To our knowledge, functional studies have not been reported for this variant. This variant has not been reported in individuals affected with RYR2-related disorders in the literature. This variant has not been identified in the general population by the Genome Aggregation Database (gnomAD). The available evidence is insufficient to determine the role of this variant in disease conclusively. Therefore, this variant is classified as a Variant of Uncertain Significance.

This study involves interpretation of variants in research participants for the purpose of population health screening. Participant phenotype was not available at the time of variant classification. Additional details can be found in publication PMID: 35346344, PMCID: PMC8962531

NM_001035.3(RYR2):c.2981C>T (p.Ala994Val)

Gene: RYR2 (ryanodine receptor 2; plus strand). Cytogenetic location: 1q43.
Variant type: single nucleotide variant.
Coding change: c.2981C>T on transcript NM_001035.3 (MANE Select); coding-DNA position 2981, C replaced by T.
Protein change: p.Ala994Val; replaces alanine 994 with valine.
Molecular consequence: missense variant.
Genome position (GRCh38, 1-based): chr1:237,548,505, C>T. VCF-style: chr1-237548505-C-T. GRCh37 (hg19) VCF-style: chr1-237711805-C-T.
Other names: short protein forms A994V.
Identifiers: ClinVar variation 3071678 (VCV003071678.1), dbSNP rs1670053232, ClinGen allele CA345393578.
Genomic context (GRCh38, chr1:237,548,505, plus strand): 5'-GTGGATACAAGCCTGCCCCTATGGACCTGAGCTTTATCAAACTCACCCCATCACAAGAAG[C>T]AATGGTGGACAAGTTGGCAGAAAATGCACATAATGTGTGGGCGCGGGATCGAATCCGGCA-3'
Protein context (NP_001026.2, residues 984-1004): SFIKLTPSQE[Ala994Val]MVDKLAENAH